The following is an entry in ClinVar:

NM_001852.4(COL9A2):c.1468G>A (p.Gly490Ser)

Gene: COL9A2 (collagen type IX alpha 2 chain; minus strand). Cytogenetic location: 1p34.2.
Variant type: single nucleotide variant.
Coding change: c.1468G>A on transcript NM_001852.4 (MANE Select); coding-DNA position 1468, G replaced by A.
Protein change: p.Gly490Ser; replaces glycine 490 with serine.
Molecular consequence: missense variant.
Genome position (GRCh38, 1-based): chr1:40,303,610, C>T on the plus strand (G>A on the coding strand, the complement: COL9A2 is on the minus strand). VCF-style: chr1-40303610-C-T. GRCh37 (hg19) VCF-style: chr1-40769282-C-T.
Other names: short protein forms G490S.
Identifiers: ClinVar variation 1421021 (VCV001421021.9), dbSNP rs1296013064, ClinGen allele CA339878420.
Genomic context (GRCh38, chr1:40,303,610, plus strand): 5'-GCTGTCCTGGCACGCCTCGGTTCCCGGCCAGTCCTCGAGGGCCGGGGGGACCAGGGTAGC[C>T]CTGAACCCCTGGGGCGCCCGCATCCCCGCTGGGGCCAGGGTAGCCGGGTTCTCCACGTAC-3'
Protein context (NP_001843.1, residues 480-500): SGDAGAPGVQ[Gly490Ser]YPGPPGPRGL

ClinVar aggregate classification (germline): Uncertain significance. Review status: criteria provided, multiple submitters, no conflicts (2 of 4 stars). 3 submissions from 3 submitters: Uncertain significance (3). Last evaluated 2025-11-12.

Conditions:
Epiphyseal dysplasia, multiple, 2 (EDM2). Also called: COL9A2-Related Multiple Epiphyseal Dysplasia. Identifiers: MedGen C1838429, MONDO:0010844, OMIM 600204.

Allele frequency attached by ClinVar (database versions not stated): gnomAD exomes below 0.00001.
gnomAD v4.1: 7 of 1,604,236 alleles (0.00044%); highest among the groups gnomAD compares: Non-Finnish European, 0.00043%; no homozygotes.

Submissions (3):

Dasa
Classification: Uncertain significance for Epiphyseal dysplasia, multiple, 2. Last evaluated: 2025-11-12. Review status: criteria provided, single submitter. Criteria: DASA Assertion Criteria. Collection method: clinical testing. Allele origin: germline.
Comment: NM_001852.4(COL9A2):c.1468G>A (p.Gly490Ser) is a missense variant that results in the substitution of glycine with serine. This variant is rare in population databases. Computational prediction algorithms are consistent with a deleterious effect. The currently available literature and clinical evidence are not sufficient to establish a definitive association between this variant and the reported condition. Therefore, this variant is classified as a variant of uncertain significance.

Labcorp Genetics (formerly Invitae), Labcorp
Classification: Uncertain significance. Last evaluated: 2022-09-06. Review status: criteria provided, single submitter. Criteria: Invitae Variant Classification Sherloc (09022015). Collection method: clinical testing. Allele origin: germline.
Comment: In summary, the available evidence is currently insufficient to determine the role of this variant in disease. Therefore, it has been classified as a Variant of Uncertain Significance. Advanced modeling of protein sequence and biophysical properties (such as structural, functional, and spatial information, amino acid conservation, physicochemical variation, residue mobility, and thermodynamic stability) performed at Invitae indicates that this missense variant is expected to disrupt COL9A2 protein function. ClinVar contains an entry for this variant (Variation ID: 1421021). This variant has not been reported in the literature in individuals affected with COL9A2-related conditions. This variant is not present in population databases (gnomAD no frequency). This sequence change replaces glycine, which is neutral and non-polar, with serine, which is neutral and polar, at codon 490 of the COL9A2 protein (p.Gly490Ser).

Blueprint Genetics
Classification: Uncertain significance. Last evaluated: 2019-11-07. Review status: criteria provided, single submitter. Criteria: ACMG Guidelines, 2015. Collection method: clinical testing. Allele origin: germline.